The following is an entry in ClinVar:

NM_004646.4(NPHS1):c.2905del (p.Leu969fs)

Gene: NPHS1 (NPHS1 adhesion molecule, nephrin; minus strand). Cytogenetic location: 19q13.12.
Variant type: Deletion.
Coding change: c.2905del on transcript NM_004646.4 (MANE Select); coding-DNA position 2905, one base deleted (C; older notation c.2905delC).
Protein change: p.Leu969fs; shifts the reading frame from leucine 969.
Molecular consequence: frameshift variant.
Genome position (GRCh38, 1-based): chr19:35,839,518, G deleted on the plus strand (C on the coding strand, the reverse complement: NPHS1 is on the minus strand); the first of 2 consecutive G bases (chr19:35,839,518-35,839,519); deleting either gives the same sequence. VCF-style (leftmost placement, unchanged base first): chr19-35839517-AG-A. GRCh37 (hg19) VCF-style: chr19-36330419-AG-A.
Other names: c.2905delC (NM_004646.3); c.2905del (NM_004646.3); short protein forms L969fs.
Identifiers: ClinVar variation 371245 (VCV000371245.12), dbSNP rs369410355, ClinGen allele CA16041976.

ClinVar aggregate classification (germline): Pathogenic/Likely pathogenic. Review status: criteria provided, multiple submitters, no conflicts (2 of 4 stars). 4 submissions from 4 submitters: Pathogenic (2); Likely pathogenic (1). 1 of the submissions does not count toward it. Last evaluated 2025-08-14.

Conditions:
Finnish congenital nephrotic syndrome (NPHS1). Also called: NEPHROTIC SYNDROME, TYPE 1. Identifiers: Orphanet 839, MedGen C0403399, MONDO:0009732, OMIM 256300.

Submissions (4):

GeneDx
Classification: Pathogenic. Last evaluated: 2025-08-14. Review status: criteria provided, single submitter. Criteria: GeneDx Variant Classification Process June 2021. Collection method: clinical testing. Allele origin: germline. Affected: yes.
Comment: Identified in a proband with fetal demise in published literature (PMID: 33100332); Frameshift variant predicted to result in protein truncation or nonsense mediated decay in a gene for which loss of function is a known mechanism of disease; Not observed at significant frequency in large population cohorts (gnomAD); This variant is associated with the following publications: (PMID: 33100332)

Natera, Inc.
Classification: Likely pathogenic for Finnish congenital nephrotic syndrome. Last evaluated: 2025-01-17. Review status: criteria provided, single submitter. Criteria: Natera Variant Classification Schema (03/2026). Collection method: clinical testing. Allele origin: germline.
Comment: The c.2905delC variant in NPHS1 is a frameshift variant predicted to shift the reading frame beginning at codon 969 and leads to a stop codon 32 codons downstream. This variant is expected to result in nonsense mediated decay, truncation, or a dysfunctional protein product. This variant is rare in the general population with a frequency below the threshold expected for the associated phenotype(s). Given the available evidence, this variant is classified as Likely Pathogenic.

Labcorp Genetics (formerly Invitae), Labcorp
Classification: Pathogenic. Last evaluated: 2021-03-06. Review status: criteria provided, single submitter. Criteria: Invitae Variant Classification Sherloc (09022015). Collection method: clinical testing. Allele origin: germline.
Comment: This variant is not present in population databases (ExAC no frequency). For these reasons, this variant has been classified as Pathogenic. This variant has not been reported in the literature in individuals with NPHS1-related conditions. ClinVar contains an entry for this variant (Variation ID: 371245). This sequence change creates a premature translational stop signal (p.Leu969Cysfs*32) in the NPHS1 gene. It is expected to result in an absent or disrupted protein product. Loss-of-function variants in NPHS1 are known to be pathogenic (PMID: 11317351, 11854170, 12039988).

Counsyl
Classification: Likely pathogenic for Finnish congenital nephrotic syndrome. Last evaluated: 2016-08-04. Review status: no assertion criteria provided. Collection method: clinical testing. Allele origin: unknown. Not counted in ClinVar's aggregate classification.

Literature cited by the submitters: PubMed 11317351 (cited by Labcorp Genetics (formerly Invitae), Labcorp); PubMed 11854170 (cited by Labcorp Genetics (formerly Invitae), Labcorp); PubMed 12039988 (cited by Labcorp Genetics (formerly Invitae), Labcorp).